The following is an entry in ClinVar:

NM_000153.4(GALC):c.982_984delinsTAA (p.Gln328Ter)

Gene: GALC (galactosylceramidase; minus strand). Cytogenetic location: 14q31.3.
Variant type: Indel.
Coding change: c.982_984delinsTAA on transcript NM_000153.4 (MANE Select); coding-DNA positions 982 to 984, CAG replaced by TAA.
Protein change: p.Gln328Ter; replaces glutamine 328 with a stop codon.
Molecular consequence: nonsense. On other transcripts: non-coding transcript variant (1).
Genome position (GRCh38, 1-based): chr14:87,965,554-87,965,556, CTG replaced by TTA on the plus strand (CAG replaced by TAA on the coding strand, the reverse complement: GALC is on the minus strand). VCF-style: chr14-87965554-CTG-TTA. GRCh37 (hg19) VCF-style: chr14-88431898-CTG-TTA.
Other names: c.814_816delinsTAA, p.Gln272Ter (NM_001424071.1, NM_001424072.1, NM_001424073.1); c.634_636delinsTAA, p.Gln212Ter (NM_001424074.1, NM_001424075.1); c.349_351delinsTAA, p.Gln117Ter (NM_001424076.1, NM_001424077.1); c.982_984delinsTAA (NM_000153.3); c.913_915delinsTAA, p.Gln305Ter (NM_001201401.2); c.904_906delinsTAA, p.Gln302Ter (NM_001201402.2); short protein forms Q212*, Q305*, Q328*, Q117*, Q272*, Q302*.
Identifiers: ClinVar variation 3576846 (VCV003576846.2).

ClinVar aggregate classification (germline): Likely pathogenic. Review status: criteria provided, multiple submitters, no conflicts (2 of 4 stars). 2 submissions from 2 submitters: Likely pathogenic (2). Last evaluated 2024-06-23.

Conditions:
Galactosylceramide beta-galactosidase deficiency. Also called: GALACTOCEREBROSIDASE DEFICIENCY; GALC DEFICIENCY; GLOBOID CELL LEUKOENCEPHALOPATHY; Leukodystrophy, Globoid Cell; Krabbe Disease. Identifiers: Orphanet 487, MedGen C0023521, MONDO:0009499, OMIM 245200.

Submissions (2):

Natera, Inc.
Classification: Likely pathogenic for Galactosylceramide beta-galactosidase deficiency. Last evaluated: 2024-06-23. Review status: criteria provided, single submitter. Criteria: Natera Variant Classification Schema (03/2026). Collection method: clinical testing. Allele origin: germline.
Comment: The c.982_984delinsTAA variant in GALC is a deletion-insertion (delins) variant predicted to replace one or more nucleotides with a different sequence. This variant is expected to result in nonsense mediated decay, truncation, or a dysfunctional protein product. This variant is rare in the general population with a frequency below the threshold expected for the associated phenotype(s). Given the available evidence, this variant is classified as Likely Pathogenic.

Fulgent Genetics
Classification: Likely pathogenic for Galactosylceramide beta-galactosidase deficiency. Last evaluated: 2024-02-26. Review status: criteria provided, single submitter. Criteria: ACMG Guidelines, 2015. Collection method: clinical testing. Allele origin: germline.